The following is an entry in ClinVar:

NM_004385.5(VCAN):c.1615G>C (p.Val539Leu)

Gene: VCAN (versican; plus strand). Cytogenetic location: 5q14.3.
Variant type: single nucleotide variant.
Coding change: c.1615G>C on transcript NM_004385.5 (MANE Select); coding-DNA position 1615, G replaced by C.
Protein change: p.Val539Leu; replaces valine 539 with leucine.
Molecular consequence: missense variant. On other transcripts: intron variant (2).
Genome position (GRCh38, 1-based): chr5:83,519,921, G>C. VCF-style: chr5-83519921-G-C. GRCh37 (hg19) VCF-style: chr5-82815740-G-C.
Other names: c.1615G>C, p.Val539Leu (NM_001164098.2); c.1042+7525G>C (NM_001164097.2, NM_001126336.3); short protein forms V539L.
Identifiers: ClinVar variation 2957093 (VCV002957093.3), dbSNP rs1356197956, ClinGen allele CA360301250.

ClinVar aggregate classification (germline): Uncertain significance (1 of 4 stars; one submission).

gnomAD v4.1: 2 of 1,614,120 alleles (0.00012%); highest among the groups gnomAD compares: East Asian, 0.0022%; no homozygotes.

Submission:

Labcorp Genetics (formerly Invitae), Labcorp
Classification: Uncertain significance. Last evaluated: 2025-12-31. Review status: criteria provided, single submitter. Criteria: Invitae Variant Classification Sherloc (09022015). Collection method: clinical testing. Allele origin: germline.
Comment: This sequence change replaces valine, which is neutral and non-polar, with leucine, which is neutral and non-polar, at codon 539 of the VCAN protein (p.Val539Leu). This variant is not present in population databases (gnomAD no frequency). This variant has not been reported in the literature in individuals affected with VCAN-related conditions. ClinVar contains an entry for this variant (Variation ID: 2957093). An algorithm developed to predict the effect of missense changes on protein structure and function outputs the following: PolyPhen-2: "Benign". The leucine amino acid residue is found in multiple mammalian species, which suggests that this missense change does not adversely affect protein function. In summary, the available evidence is currently insufficient to determine the role of this variant in disease. Therefore, it has been classified as a Variant of Uncertain Significance.